The following is an entry in ClinVar:

NM_002693.3(POLG):c.3142G>A (p.Ala1048Thr)

Gene: POLG (DNA polymerase gamma, catalytic subunit; minus strand). Cytogenetic location: 15q26.1.
Variant type: single nucleotide variant.
Coding change: c.3142G>A on transcript NM_002693.3 (MANE Select); coding-DNA position 3142, G replaced by A.
Protein change: p.Ala1048Thr; replaces alanine 1048 with threonine.
Molecular consequence: missense variant.
Genome position (GRCh38, 1-based): chr15:89,319,062, C>T on the plus strand (G>A on the coding strand, the complement: POLG is on the minus strand). VCF-style: chr15-89319062-C-T. GRCh37 (hg19) VCF-style: chr15-89862293-C-T.
Other names: c.3142G>A, p.Ala1048Thr (NM_001126131.2); short protein forms A1048T.
Identifiers: ClinVar variation 2762756 (VCV002762756.3), dbSNP rs762244296, ClinGen allele CA7724224.

ClinVar aggregate classification (germline): Uncertain significance (1 of 4 stars; one submission).

Conditions:
Progressive sclerosing poliodystrophy (MTDPS4A). Also called: ALPERS PROGRESSIVE INFANTILE POLIODYSTROPHY; NEURONAL DEGENERATION OF CHILDHOOD WITH LIVER DISEASE, PROGRESSIVE; Alpers Syndrome; ALPERS DIFFUSE DEGENERATION OF CEREBRAL GRAY MATTER WITH HEPATIC CIRRHOSIS; Alpers-Huttenlocher Syndrome; Mitochondrial DNA depletion syndrome 4A (Alpers type). Identifiers: Orphanet 726, MedGen C0205710, MONDO:0008758, OMIM 203700.

Allele frequency attached by ClinVar (database versions not stated): ExAC 0.00001.
gnomAD v4.1: 3 of 1,614,172 alleles (0.00019%); highest among the groups gnomAD compares: South Asian, 0.0033%; no homozygotes.

Submission:

Labcorp Genetics (formerly Invitae), Labcorp
Classification: Uncertain significance for Progressive sclerosing poliodystrophy. Last evaluated: 2023-11-15. Review status: criteria provided, single submitter. Criteria: Invitae Variant Classification Sherloc (09022015). Collection method: clinical testing. Allele origin: germline.
Comment: This sequence change replaces alanine, which is neutral and non-polar, with threonine, which is neutral and polar, at codon 1048 of the POLG protein (p.Ala1048Thr). This variant is not present in population databases (gnomAD no frequency). This variant has not been reported in the literature in individuals affected with POLG-related conditions. Advanced modeling of protein sequence and biophysical properties (such as structural, functional, and spatial information, amino acid conservation, physicochemical variation, residue mobility, and thermodynamic stability) performed at Invitae indicates that this missense variant is not expected to disrupt POLG protein function with a negative predictive value of 95%. In summary, the available evidence is currently insufficient to determine the role of this variant in disease. Therefore, it has been classified as a Variant of Uncertain Significance.